The following is an entry in ClinVar:

ClinVar aggregate classification (germline): Uncertain significance (1 of 4 stars; one submission).

Allele frequency attached by ClinVar (database versions not stated): TOPMed below 0.00001; ExAC 0.00001; gnomAD 0.00001; gnomAD exomes 0.00001.
gnomAD v4.1: 15 of 1,613,840 alleles (0.00093%); highest among the groups gnomAD compares: South Asian, 0.0088%; no homozygotes.

Submission:

Ambry Genetics
Classification: Uncertain significance. Last evaluated: 2022-04-25. Review status: criteria provided, single submitter. Criteria: Ambry Variant Classification Scheme 2023. Collection method: clinical testing. Allele origin: germline.
Comment: The p.R488Q variant (also known as c.1463G>A), located in coding exon 8 of the PKP4 gene, results from a G to A substitution at nucleotide position 1463. The arginine at codon 488 is replaced by glutamine, an amino acid with highly similar properties. This amino acid position is conserved. In addition, this alteration is predicted to be deleterious by in silico analysis. Since supporting evidence is limited at this time, the clinical significance of this alteration remains unclear.

NM_003628.6(PKP4):c.1463G>A (p.Arg488Gln)

Gene: PKP4 (plakophilin 4; plus strand). Cytogenetic location: 2q24.1.
Variant type: single nucleotide variant.
Coding change: c.1463G>A on transcript NM_003628.6 (MANE Select); coding-DNA position 1463, G replaced by A.
Protein change: p.Arg488Gln; replaces arginine 488 with glutamine.
Molecular consequence: missense variant.
Genome position (GRCh38, 1-based): chr2:158,634,190, G>A. VCF-style: chr2-158634190-G-A. GRCh37 (hg19) VCF-style: chr2-159490702-G-A.
Other names: c.1463G>A, p.Arg488Gln (NM_001005476.4, NM_001304971.2, NM_001377218.1 and 1 more transcripts); c.1460G>A, p.Arg487Gln (NM_001304969.3, NM_001377219.1, NM_001377220.1 and 2 more transcripts); c.434G>A, p.Arg145Gln (NM_001304970.3); c.1457G>A, p.Arg486Gln (NM_001377222.1, NM_001377223.1); c.1454G>A, p.Arg485Gln (NM_001377224.1); short protein forms R485Q, R488Q, R145Q, R487Q, R486Q.
Identifiers: ClinVar variation 1773201 (VCV001773201.2), dbSNP rs201257126, ClinGen allele CA1920722.